The following is an entry in ClinVar:

ClinVar aggregate classification (germline): Likely benign (1 of 4 stars; one submission).

Conditions:
Breast-ovarian cancer, familial, susceptibility to, 1 (BROVCA1). Also called: OVARIAN CANCER, SUSCEPTIBILITY TO; BRCA1 Hereditary Breast and Ovarian Cancer. Identifiers: Orphanet 145, MedGen C2676676, MONDO:0011450, OMIM 604370. Disease mechanism: loss of function.

gnomAD v4.1: 1 of 1,614,194 alleles (0.000062%); highest among the groups gnomAD compares: South Asian, 0.0011%; no homozygotes.

Submission:

Cancer Bioinformatics and Tumour Evolution Laboratory, Monash University
Classification: Likely benign for Breast-ovarian cancer, familial, susceptibility to, 1. Last evaluated: 2026-05-01. Review status: criteria provided, single submitter. Criteria: ClinGen BRCA1 and BRCA2 Guidelines, 2024. Collection method: curation. Allele origin: germline. Inheritance: Autosomal dominant inheritance.
Comment: Missense variant outside of a functional domain with no splice impact. BRCA1 and BRCA2 VCEP guidelines recommend application of BP1_Strong (PMID: 39142283)

NM_007294.4(BRCA1):c.3989G>A (p.Ser1330Asn)

Genes: BRCA1 (BRCA1 DNA repair associated; minus strand), LOC126862571 (BRD4-independent group 4 enhancer GRCh37_chr17:41243136-41244335; plus strand). Cytogenetic location: 17q21.31.
Variant type: single nucleotide variant.
Coding change: c.3989G>A on transcript NM_007294.4 (MANE Select); coding-DNA position 3989, G replaced by A.
Protein change: p.Ser1330Asn; replaces serine 1330 with asparagine.
Molecular consequence: missense variant. On other transcripts: intron variant (135).
Genome position (GRCh38, 1-based): chr17:43,091,542, C>T on the plus strand (G>A on the coding strand, the complement: BRCA1 is on the minus strand). VCF-style: chr17-43091542-C-T. GRCh37 (hg19) VCF-style: chr17-41243559-C-T.
Other names: c.578-510G>A (NM_001408485.1, NM_001408514.1, NM_001408481.1 and 9 more transcripts); c.662-510G>A (NM_001408447.1, NM_001408433.1, NM_001408446.1 and 6 more transcripts); c.785-510G>A (NM_001408400.1, NM_001408392.1, NM_001407986.1 and 13 more transcripts); c.665-510G>A (NM_001408441.1, NM_001408437.1, NM_001408429.1 and 12 more transcripts); c.788-510G>A (NM_001407979.1, NM_001407977.1, NM_001407978.1 and 17 more transcripts); c.647-510G>A (NM_001408410.1, NM_001408467.1, NM_001408459.1 and 11 more transcripts); c.710-510G>A (NM_001408415.1, NM_001408414.1, NM_001408411.1 and 2 more transcripts); c.644-510G>A (NM_001408462.1, NM_001408464.1, NM_001408468.1 and 3 more transcripts); and 41 more; short protein forms S1034N, S1162N, S1202N, S1203N, S1218N, S1219N, S1241N, S1242N.
Identifiers: ClinVar variation 4856530 (VCV004856530.1).
Genomic context (GRCh38, chr17:43,091,542, plus strand): 5'-CCCGTTCCTCTTTCTTCATCATCTGAAACCAATTCCTTGTCACTCAGACCAACTCCCTGG[C>T]TTTCAGACTGATGCCTCATTTGTTTGGAAGAACCAATCAAGAAAGGATCCTGGGTGTTTG-3'
Protein context (NP_009225.1, residues 1320-1340): SSKQMRHQSE[Ser1330Asn]QGVGLSDKEL